The following is an entry in ClinVar:

ClinVar aggregate classification (germline): Uncertain significance. Review status: criteria provided, multiple submitters, no conflicts (2 of 4 stars). 2 submissions from 2 submitters: Uncertain significance (2). Last evaluated 2024-05-18.

Conditions:
EPILEPSY, CHILDHOOD ABSENCE, SUSCEPTIBILITY TO, 2 (ECA2). Identifiers: Orphanet 64280, MedGen C1843244, OMIM 607681.
Febrile seizures, familial, 8 (FEB8). Also called: CONVULSIONS, FAMILIAL FEBRILE, 8. Identifiers: Orphanet 36387, MedGen C1969810, MONDO:0011891, OMIM 607681.

Submissions (2):

Labcorp Genetics (formerly Invitae), Labcorp
Classification: Uncertain significance for Febrile seizures, familial, 8; EPILEPSY, CHILDHOOD ABSENCE, SUSCEPTIBILITY TO, 2. Last evaluated: 2024-05-18. Review status: criteria provided, single submitter. Criteria: Invitae Variant Classification Sherloc (09022015). Collection method: clinical testing. Allele origin: germline.
Comment: This sequence change replaces serine, which is neutral and polar, with arginine, which is basic and polar, at codon 210 of the GABRG2 protein (p.Ser210Arg). This variant is not present in population databases (gnomAD no frequency). This variant has not been reported in the literature in individuals affected with GABRG2-related conditions. Advanced modeling of protein sequence and biophysical properties (such as structural, functional, and spatial information, amino acid conservation, physicochemical variation, residue mobility, and thermodynamic stability) performed at Invitae indicates that this missense variant is expected to disrupt GABRG2 protein function with a positive predictive value of 95%. In summary, the available evidence is currently insufficient to determine the role of this variant in disease. Therefore, it has been classified as a Variant of Uncertain Significance.

GeneDx
Classification: Uncertain significance. Last evaluated: 2024-04-11. Review status: criteria provided, single submitter. Criteria: GeneDx Variant Classification Process June 2021. Collection method: clinical testing. Allele origin: germline. Affected: yes.
Comment: Has not been previously published as pathogenic or benign to our knowledge; Not observed at significant frequency in large population cohorts (gnomAD); In silico analysis supports that this missense variant has a deleterious effect on protein structure/function; In silico analysis suggests this variant may impact gene splicing. In the absence of RNA/functional studies, the actual effect of this sequence change is unknown.

NM_198904.4(GABRG2):c.630T>G (p.Ser210Arg)

Gene: GABRG2 (gamma-aminobutyric acid type A receptor subunit gamma2; plus strand). Cytogenetic location: 5q34.
Variant type: single nucleotide variant.
Coding change: c.630T>G on transcript NM_198904.4 (MANE Select); coding-DNA position 630, T replaced by G.
Protein change: p.Ser210Arg; replaces serine 210 with arginine.
Molecular consequence: missense variant.
Genome position (GRCh38, 1-based): chr5:162,101,316, T>G. VCF-style: chr5-162101316-T-G. GRCh37 (hg19) VCF-style: chr5-161528322-T-G.
Other names: c.630T>G, p.Ser210Arg (NM_000816.3, NM_001375340.1, NM_001375341.1 and 4 more transcripts); c.621T>G, p.Ser207Arg (NM_001375339.1); c.564T>G, p.Ser188Arg (NM_001375345.1, NM_001375346.1); c.543T>G, p.Ser181Arg (NM_001375347.1); c.210T>G, p.Ser70Arg (NM_001375348.1, NM_001375350.1); c.345T>G, p.Ser115Arg (NM_001375349.1); short protein forms S115R, S181R, S188R, S207R, S210R, S70R.
Identifiers: ClinVar variation 3372461 (VCV003372461.3).